The following is an entry in ClinVar:

ClinVar aggregate classification (germline): Uncertain significance (1 of 4 stars; one submission).

Allele frequency attached by ClinVar (database versions not stated): gnomAD 0.00001; ExAC 0.00002; TOPMed 0.00002; gnomAD exomes 0.00007.
gnomAD v4.1: 100 of 1,614,110 alleles (0.0062%); highest among the groups gnomAD compares: Non-Finnish European, 0.0083%; no homozygotes.

Submission:

Labcorp Genetics (formerly Invitae), Labcorp
Classification: Uncertain significance. Last evaluated: 2024-05-21. Review status: criteria provided, single submitter. Criteria: Invitae Variant Classification Sherloc (09022015). Collection method: clinical testing. Allele origin: germline.
Comment: This sequence change replaces tyrosine, which is neutral and polar, with cysteine, which is neutral and slightly polar, at codon 563 of the ATP2B4 protein (p.Tyr563Cys). This variant is present in population databases (rs776063633, gnomAD 0.004%). This variant has not been reported in the literature in individuals affected with ATP2B4-related conditions. Advanced modeling of protein sequence and biophysical properties (such as structural, functional, and spatial information, amino acid conservation, physicochemical variation, residue mobility, and thermodynamic stability) performed at Invitae indicates that this missense variant is not expected to disrupt ATP2B4 protein function with a negative predictive value of 80%. In summary, the available evidence is currently insufficient to determine the role of this variant in disease. Therefore, it has been classified as a Variant of Uncertain Significance.

NM_001684.5(ATP2B4):c.1688A>G (p.Tyr563Cys)

Gene: ATP2B4 (ATPase plasma membrane Ca2+ transporting 4; plus strand). Cytogenetic location: 1q32.1.
Variant type: single nucleotide variant.
Coding change: c.1688A>G on transcript NM_001684.5 (MANE Select); coding-DNA position 1688, A replaced by G.
Protein change: p.Tyr563Cys; replaces tyrosine 563 with cysteine.
Molecular consequence: missense variant.
Genome position (GRCh38, 1-based): chr1:203,709,431, A>G. VCF-style: chr1-203709431-A-G. GRCh37 (hg19) VCF-style: chr1-203678559-A-G.
Other names: c.1688A>G, p.Tyr563Cys (NM_001001396.3, NM_001365783.2, NM_001365784.2); short protein forms Y563C.
Identifiers: ClinVar variation 2782500 (VCV002782500.3), dbSNP rs776063633, ClinGen allele CA1341668.